The following is an entry in ClinVar:

NM_000431.4(MVK):c.799T>C (p.Ser267Pro)

Gene: MVK (mevalonate kinase; plus strand). Cytogenetic location: 12q24.11.
Variant type: single nucleotide variant.
Coding change: c.799T>C on transcript NM_000431.4 (MANE Select); coding-DNA position 799, T replaced by C.
Protein change: p.Ser267Pro; replaces serine 267 with proline.
Molecular consequence: missense variant.
Genome position (GRCh38, 1-based): chr12:109,591,271, T>C. VCF-style: chr12-109591271-T-C. GRCh37 (hg19) VCF-style: chr12-110029076-T-C.
Other names: c.799T>C, p.Ser267Pro (NM_001114185.3); c.643T>C, p.Ser215Pro (NM_001301182.2); short protein forms S215P, S267P.
Identifiers: ClinVar variation 1044056 (VCV001044056.8), dbSNP rs1885666876, ClinGen allele CA386649314.

ClinVar aggregate classification (germline): Likely pathogenic (1 of 4 stars; one submission).

Conditions:
Hyperimmunoglobulin D with periodic fever (HIDS). Also called: Hyperimmunoglobulinemia D with periodic fever; HYPERIMMUNOGLOBULINEMIA D AND PERIODIC FEVER SYNDROME; Hyperimmunoglobulinemia D. Identifiers: Orphanet 343, MedGen C0398691, MONDO:0009849, OMIM 260920.
Mevalonic aciduria (MEVA). Identifiers: Orphanet 29, MedGen C1959626, MONDO:0012481, OMIM 610377.
Porokeratosis 3, disseminated superficial actinic type (POROK3). Also called: POROKERATOSIS 3, MULTIPLE TYPES; POROKERATOSIS 3, MIBELLI TYPE; POROKERATOSIS, DISSEMINATED SUPERFICIAL ACTINIC, 1. Identifiers: MedGen C1867981, MONDO:0008293, OMIM 175900.

Allele frequency attached by ClinVar (database versions not stated): gnomAD exomes below 0.00001.
gnomAD v4.1: 1 of 1,614,130 alleles (0.000062%); highest among the groups gnomAD compares: Non-Finnish European, 0.000085%; no homozygotes.

Submission:

Labcorp Genetics (formerly Invitae), Labcorp
Classification: Likely pathogenic for Mevalonic aciduria; Hyperimmunoglobulin D with periodic fever; Porokeratosis 3, disseminated superficial actinic type. Last evaluated: 2020-11-19. Review status: criteria provided, single submitter. Criteria: Invitae Variant Classification Sherloc (09022015). Collection method: clinical testing. Allele origin: germline.
Comment: In summary, the currently available evidence indicates that the variant is pathogenic, but additional data are needed to prove that conclusively. Therefore, this variant has been classified as Likely Pathogenic. Advanced modeling of protein sequence and biophysical properties (such as structural, functional, and spatial information, amino acid conservation, physicochemical variation, residue mobility, and thermodynamic stability) performed at Invitae indicates that this missense variant is expected to disrupt MVK protein function. This variant has been observed in individual(s) with clinical features of MVK-related condition (Invitae). In at least one individual the data is consistent with the variant being in trans (on the opposite chromosome) from a pathogenic variant. This variant is not present in population databases (ExAC no frequency). This sequence change replaces serine with proline at codon 267 of the MVK protein (p.Ser267Pro). The serine residue is moderately conserved and there is a moderate physicochemical difference between serine and proline.